The following is an entry in ClinVar:

NM_001287.6(CLCN7):c.177G>C (p.Met59Ile)

Gene: CLCN7 (chloride voltage-gated channel 7; minus strand). Cytogenetic location: 16p13.3.
Variant type: single nucleotide variant.
Coding change: c.177G>C on transcript NM_001287.6 (MANE Select); coding-DNA position 177, G replaced by C.
Protein change: p.Met59Ile; replaces methionine 59 with isoleucine.
Molecular consequence: missense variant. On other transcripts: intron variant (1).
Genome position (GRCh38, 1-based): chr16:1,465,303, C>G on the plus strand (G>C on the coding strand, the complement: CLCN7 is on the minus strand). VCF-style: chr16-1465303-C-G. GRCh37 (hg19) VCF-style: chr16-1515304-C-G.
Other names: c.177G>C (NM_001287.4); c.142-3629G>C (NM_001114331.3); short protein forms M59I.
Identifiers: ClinVar variation 1477233 (VCV001477233.7), dbSNP rs770192718, ClinGen allele CA7810907.

ClinVar aggregate classification (germline): Uncertain significance. Review status: criteria provided, multiple submitters, no conflicts (2 of 4 stars). 2 submissions from 2 submitters: Uncertain significance (2). Last evaluated 2025-09-02.

Conditions:
Inborn genetic diseases. Identifiers: MedGen C0950123, MeSH D030342.

Allele frequency attached by ClinVar (database versions not stated): gnomAD 0.00001; gnomAD exomes 0.00001; TOPMed 0.00002; ExAC 0.00003.
gnomAD v4.1: 11 of 1,613,804 alleles (0.00068%); highest among the groups gnomAD compares: Admixed American, 0.018%; no homozygotes.

Submissions (2):

Labcorp Genetics (formerly Invitae), Labcorp
Classification: Uncertain significance. Last evaluated: 2025-09-02. Review status: criteria provided, single submitter. Criteria: Invitae Variant Classification Sherloc (09022015). Collection method: clinical testing. Allele origin: germline.
Comment: This sequence change replaces methionine, which is neutral and non-polar, with isoleucine, which is neutral and non-polar, at codon 59 of the CLCN7 protein (p.Met59Ile). This variant is present in population databases (rs770192718, gnomAD 0.02%). This variant has not been reported in the literature in individuals affected with CLCN7-related conditions. ClinVar contains an entry for this variant (Variation ID: 1477233). Invitae Evidence Modeling of protein sequence and biophysical properties (such as structural, functional, and spatial information, amino acid conservation, physicochemical variation, residue mobility, and thermodynamic stability) indicates that this missense variant is not expected to disrupt CLCN7 protein function with a negative predictive value of 95%. In summary, the available evidence is currently insufficient to determine the role of this variant in disease. Therefore, it has been classified as a Variant of Uncertain Significance.

Ambry Genetics
Classification: Uncertain significance for Inborn genetic diseases. Last evaluated: 2025-01-23. Review status: criteria provided, single submitter. Criteria: Ambry Variant Classification Scheme 2023. Collection method: clinical testing. Allele origin: germline.